The following is an entry in ClinVar:

ClinVar aggregate classification (germline): Uncertain significance (1 of 4 stars; one submission).

Submission:

GeneDx
Classification: Uncertain significance. Last evaluated: 2024-02-26. Review status: criteria provided, single submitter. Criteria: GeneDx Variant Classification Process June 2021. Collection method: clinical testing. Allele origin: germline. Affected: yes.
Comment: Not observed at significant frequency in large population cohorts (gnomAD); In-frame deletion 1 amino acids in a non-repeat region; In silico analysis supports that this variant does not alter protein structure/function; Has not been previously published as pathogenic or benign to our knowledge

NM_144687.4(NLRP12):c.1123_1125del (p.Tyr375del)

Gene: NLRP12 (NLR family pyrin domain containing 12; minus strand). Cytogenetic location: 19q13.42.
Variant type: Deletion.
Coding change: c.1123_1125del on transcript NM_144687.4 (MANE Select); coding-DNA positions 1123 to 1125, 3 bases deleted (TAC; older notation c.1123_1125delTAC).
Protein change: p.Tyr375del; deletes tyrosine 375.
Molecular consequence: inframe deletion.
Genome position (GRCh38, 1-based): chr19:53,810,534-53,810,536, GTA deleted on the plus strand (TAC on the coding strand, the reverse complement: NLRP12 is on the minus strand); deleting any 3 consecutive bases within chr19:53,810,534-53,810,537 gives the same sequence; the c. name uses the placement nearest the transcript's 3' end. VCF-style (leftmost placement, unchanged base first): chr19-53810533-TGTA-T. GRCh37 (hg19) VCF-style: chr19-54313787-TGTA-T.
Other names: c.1123_1125del, p.Tyr375del (NM_001277126.2, NM_001277129.1); short protein forms Y375del.
Identifiers: ClinVar variation 3369630 (VCV003369630.1).
Genomic context (GRCh38, chr19:53,810,533, plus strand): 5'-GCTCGTTGTCCCTCACGTAATTGAAGACTTGGCCCGCCTGCTCTGCATTGTGGAAATACT[TGTA>T]GAAGTATTCCTTCCTTTCTGCCTCAGAGAAGCCCAGGATCTCCACATGCCTGGGGTGCTC-3'